The following is an entry in ClinVar:

NM_003024.3(ITSN1):c.851A>G (p.His284Arg)

Gene: ITSN1 (intersectin 1; plus strand). Cytogenetic location: 21q22.11.
Variant type: single nucleotide variant.
Coding change: c.851A>G on transcript NM_003024.3 (MANE Select); coding-DNA position 851, A replaced by G.
Protein change: p.His284Arg; replaces histidine 284 with arginine.
Molecular consequence: missense variant.
Genome position (GRCh38, 1-based): chr21:33,765,937, A>G. VCF-style: chr21-33765937-A-G. GRCh37 (hg19) VCF-style: chr21-35138241-A-G.
Other names: c.851A>G, p.His284Arg (NM_001001132.2, NM_001331008.2, NM_001331009.2 and 2 more transcripts); c.740A>G, p.His247Arg (NM_001331012.2); short protein forms H247R, H284R.
Identifiers: ClinVar variation 3764249 (VCV003764249.1).
Genomic context (GRCh38, chr21:33,765,937, plus strand): 5'-ATCTTTCTGACATTGATCAAGATGGAAAACTTACAGCAGAGGAATTTATCCTGGCAATGC[A>G]CCTCATTGATGTAGCTATGTCTGGCCAACCACTGCCACCTGTCCTGCCTCCAGAATACAT-3'
Protein context (NP_003015.2, residues 274-294): LTAEEFILAM[His284Arg]LIDVAMSGQP

ClinVar aggregate classification (germline): Uncertain significance (1 of 4 stars; one submission).

gnomAD v4.1: 2 of 1,614,052 alleles (0.00012%); highest among the groups gnomAD compares: Non-Finnish European, 0.00017%; no homozygotes.

Submission:

GeneDx
Classification: Uncertain significance. Last evaluated: 2024-08-21. Review status: criteria provided, single submitter. Criteria: GeneDx Variant Classification Process June 2021. Collection method: clinical testing. Allele origin: germline. Affected: yes.
Comment: Not observed at significant frequency in large population cohorts (gnomAD); In silico analysis supports that this missense variant has a deleterious effect on protein structure/function; Has not been previously published as pathogenic or benign to our knowledge